The following is an entry in ClinVar:

NM_014845.6(FIG4):c.1051G>C (p.Asp351His)

Gene: FIG4 (FIG4 phosphoinositide 5-phosphatase; plus strand). Cytogenetic location: 6q21.
Variant type: single nucleotide variant.
Coding change: c.1051G>C on transcript NM_014845.6 (MANE Select); coding-DNA position 1051, G replaced by C.
Protein change: p.Asp351His; replaces aspartic acid 351 with histidine.
Molecular consequence: missense variant.
Genome position (GRCh38, 1-based): chr6:109,743,686, G>C. VCF-style: chr6-109743686-G-C. GRCh37 (hg19) VCF-style: chr6-110064889-G-C.
Other names: short protein forms D351H.
Identifiers: ClinVar variation 245776 (VCV000245776.9), dbSNP rs879253941, ClinGen allele CA10584274.
Genomic context (GRCh38, chr6:109,743,686, plus strand): 5'-TGCTTTGCAATTTTCATTCAGGTGCTTTTTCATCTTTTTTCCTTCTCAGTGGATCAGGCA[G>C]ATCCATTTGCACATGTGGCTGCCCTTCACTTTGACCAGATGTTCCAGAGGTTTGGCTCTC-3'
Protein context (NP_055660.1, residues 341-361): PKPPITLDQA[Asp351His]PFAHVAALHF

ClinVar aggregate classification (germline): Uncertain significance. Review status: criteria provided, multiple submitters, no conflicts (2 of 4 stars). 2 submissions from 2 submitters: Uncertain significance (2). Last evaluated 2024-12-16.

Conditions:
Charcot-Marie-Tooth disease type 4. Also called: Charcot-Marie-Tooth disease, type IV; Charcot-Marie-Tooth, Type 4. Identifiers: Orphanet 64749, MedGen C4082197, MONDO:0018995.

Allele frequency attached by ClinVar (database versions not stated): gnomAD 0.00001.
gnomAD v4.1: 7 of 1,612,016 alleles (0.00043%); highest among the groups gnomAD compares: Non-Finnish European, 0.00051%; no homozygotes.

Submissions (2):

Labcorp Genetics (formerly Invitae), Labcorp
Classification: Uncertain significance for Charcot-Marie-Tooth disease type 4. Last evaluated: 2024-12-16. Review status: criteria provided, single submitter. Criteria: Invitae Variant Classification Sherloc (09022015). Collection method: clinical testing. Allele origin: germline.
Comment: This sequence change replaces aspartic acid, which is acidic and polar, with histidine, which is basic and polar, at codon 351 of the FIG4 protein (p.Asp351His). This variant is present in population databases (no rsID available, gnomAD 0.0009%). This variant has not been reported in the literature in individuals affected with FIG4-related conditions. ClinVar contains an entry for this variant (Variation ID: 245776). An algorithm developed to predict the effect of missense changes on protein structure and function (PolyPhen-2) suggests that this variant is likely to be disruptive. In summary, the available evidence is currently insufficient to determine the role of this variant in disease. Therefore, it has been classified as a Variant of Uncertain Significance.

GeneDx
Classification: Uncertain significance. Last evaluated: 2017-06-28. Review status: criteria provided, single submitter. Criteria: GeneDx Variant Classification (06012015). Collection method: clinical testing. Allele origin: germline. Affected: yes.
Comment: The D351H variant in the FIG4 gene has not been reported previously as a pathogenic variant, nor as a benign variant, to our knowledge. The D351H variant is not observed in large population cohorts (Lek et al., 2016; 1000 Genomes Consortium et al., 2015; Exome Variant Server). The D351H variant is a non-conservative amino acid substitution, which is likely to impact secondary protein structure as these residues differ in polarity, charge, size and/or other properties. This substitution occurs at a position that is conserved across species, and in silico analysis predicts this variant is probably damaging to the protein structure/function. We interpret D351H as a variant of uncertain significance.